The following is an entry in ClinVar:

NM_178452.6(DNAAF1):c.754T>A (p.Leu252Met)

Gene: DNAAF1 (dynein axonemal assembly factor 1; plus strand). Cytogenetic location: 16q24.1.
Variant type: single nucleotide variant.
Coding change: c.754T>A on transcript NM_178452.6 (MANE Select); coding-DNA position 754, T replaced by A.
Protein change: p.Leu252Met; replaces leucine 252 with methionine.
Molecular consequence: missense variant. On other transcripts: 5 prime UTR variant (1).
Genome position (GRCh38, 1-based): chr16:84,159,687, T>A. VCF-style: chr16-84159687-T-A. GRCh37 (hg19) VCF-style: chr16-84193292-T-A.
Other names: c.-3T>A (NM_001318756.1); short protein forms L252M.
Identifiers: ClinVar variation 2183360 (VCV002183360.1), dbSNP rs193152088, ClinGen allele CA8202620.

ClinVar aggregate classification (germline): Uncertain significance (1 of 4 stars; one submission).

Conditions:
Primary ciliary dyskinesia. Also called: Ciliary dyskinesia. Identifiers: Orphanet 244, MedGen C0008780, MONDO:0016575, HP:0012265.

Allele frequency attached by ClinVar (database versions not stated): gnomAD exomes 0.00002; gnomAD 0.00006; TOPMed 0.00008; ExAC 0.00011; 1000 Genomes Project 30x 0.00031; 1000 Genomes Project 0.00040.
gnomAD v4.1: 47 of 1,613,096 alleles (0.0029%); highest among the groups gnomAD compares: East Asian, 0.098%; 1 homozygote.

Submission:

Labcorp Genetics (formerly Invitae), Labcorp
Classification: Uncertain significance for Primary ciliary dyskinesia. Last evaluated: 2022-06-15. Review status: criteria provided, single submitter. Criteria: Invitae Variant Classification Sherloc (09022015). Collection method: clinical testing. Allele origin: germline.
Comment: This sequence change replaces leucine, which is neutral and non-polar, with methionine, which is neutral and non-polar, at codon 252 of the DNAAF1 protein (p.Leu252Met). This variant is present in population databases (rs193152088, gnomAD 0.2%). This variant has not been reported in the literature in individuals affected with DNAAF1-related conditions. Algorithms developed to predict the effect of missense changes on protein structure and function are either unavailable or do not agree on the potential impact of this missense change (SIFT: "Deleterious"; PolyPhen-2: "Probably Damaging"; Align-GVGD: "Class C0"). In summary, the available evidence is currently insufficient to determine the role of this variant in disease. Therefore, it has been classified as a Variant of Uncertain Significance.